The following is an entry in ClinVar:

NM_002291.3(LAMB1):c.1313A>G (p.Asp438Gly)

Gene: LAMB1 (laminin subunit beta 1; minus strand). Cytogenetic location: 7q31.1.
Variant type: single nucleotide variant.
Coding change: c.1313A>G on transcript NM_002291.3 (MANE Select); coding-DNA position 1313, A replaced by G.
Protein change: p.Asp438Gly; replaces aspartic acid 438 with glycine.
Molecular consequence: missense variant.
Genome position (GRCh38, 1-based): chr7:107,975,290, T>C on the plus strand (A>G on the coding strand, the complement: LAMB1 is on the minus strand). VCF-style: chr7-107975290-T-C. GRCh37 (hg19) VCF-style: chr7-107615735-T-C.
Other names: short protein forms D438G.
Identifiers: ClinVar variation 1525851 (VCV001525851.5), dbSNP rs766830597, ClinGen allele CA4436064.

ClinVar aggregate classification (germline): Uncertain significance (1 of 4 stars; one submission).

Allele frequency attached by ClinVar (database versions not stated): gnomAD exomes 0.00001; ExAC 0.00002; gnomAD 0.00002; TOPMed 0.00002.
gnomAD v4.1: 12 of 1,613,988 alleles (0.00074%); highest among the groups gnomAD compares: African/African-American, 0.0013%; no homozygotes.

Submission:

Labcorp Genetics (formerly Invitae), Labcorp
Classification: Uncertain significance. Last evaluated: 2021-12-02. Review status: criteria provided, single submitter. Criteria: Invitae Variant Classification Sherloc (09022015). Collection method: clinical testing. Allele origin: germline.
Comment: This sequence change replaces aspartic acid, which is acidic and polar, with glycine, which is neutral and non-polar, at codon 438 of the LAMB1 protein (p.Asp438Gly). This variant is present in population databases (rs766830597, gnomAD 0.007%). This variant has not been reported in the literature in individuals affected with LAMB1-related conditions. Algorithms developed to predict the effect of missense changes on protein structure and function (SIFT, PolyPhen-2, Align-GVGD) all suggest that this variant is likely to be tolerated. In summary, the available evidence is currently insufficient to determine the role of this variant in disease. Therefore, it has been classified as a Variant of Uncertain Significance.